The following is an entry in ClinVar:

NM_001848.3(COL6A1):c.641C>T (p.Thr214Met)

Gene: COL6A1 (collagen type VI alpha 1 chain; plus strand). Cytogenetic location: 21q22.3.
Variant type: single nucleotide variant.
Coding change: c.641C>T on transcript NM_001848.3 (MANE Select); coding-DNA position 641, C replaced by T.
Protein change: p.Thr214Met; replaces threonine 214 with methionine.
Molecular consequence: missense variant.
Genome position (GRCh38, 1-based): chr21:45,986,996, C>T. VCF-style: chr21-45986996-C-T. GRCh37 (hg19) VCF-style: chr21-47406910-C-T.
Other names: short protein forms T214M.
Identifiers: ClinVar variation 595565 (VCV000595565.15), dbSNP rs369123247, ClinGen allele CA10069640.

ClinVar aggregate classification (germline): Conflicting classifications of pathogenicity. Review status: criteria provided, conflicting classifications (1 of 4 stars). 3 submissions from 3 submitters: Uncertain significance (2); Likely benign (1). Last evaluated 2026-01-13.

Conditions:
Bethlem myopathy 1A. Also called: Bethlem myopathy 1; MYOPATHY, BENIGN CONGENITAL, WITH CONTRACTURES; Bethlem Muscular Dystrophy. Identifiers: Orphanet 610, MedGen CN029274, MONDO:0024530, OMIM 158810.

Allele frequency attached by ClinVar (database versions not stated): gnomAD 0.00001; gnomAD exomes 0.00002 and 0.00005; TOPMed 0.00002; ESP Exome Variant Server 0.00008; ExAC 0.00011.
gnomAD v4.1: 23 of 1,551,384 alleles (0.0015%); highest among the groups gnomAD compares: East Asian, 0.0024%; no homozygotes.

Submissions (3):

Labcorp Genetics (formerly Invitae), Labcorp
Classification: Likely benign for Bethlem myopathy 1A. Last evaluated: 2026-01-13. Review status: criteria provided, single submitter. Criteria: Invitae Variant Classification Sherloc (09022015). Collection method: clinical testing. Allele origin: germline.

GeneDx
Classification: Uncertain significance. Last evaluated: 2021-03-26. Review status: criteria provided, single submitter. Criteria: GeneDx Variant Classification Process June 2021. Collection method: clinical testing. Allele origin: germline. Affected: yes.
Comment: In silico analysis supports that this missense variant has a deleterious effect on protein structure/function; Has not been previously published as pathogenic or benign to our knowledge

Eurofins Ntd Llc (ga)
Classification: Uncertain significance. Last evaluated: 2017-12-28. Review status: criteria provided, single submitter. Criteria: EGL Classification Definitions 2015. Collection method: clinical testing. Allele origin: germline. Observed: 1 variant allele, 1 heterozygote.